The following is an entry in ClinVar:

NM_000059.4(BRCA2):c.4310G>C (p.Ser1437Thr)

Gene: BRCA2 (BRCA2 DNA repair associated; plus strand). Cytogenetic location: 13q13.1.
Variant type: single nucleotide variant.
Coding change: c.4310G>C on transcript NM_000059.4 (MANE Select); coding-DNA position 4310, G replaced by C.
Protein change: p.Ser1437Thr; replaces serine 1437 with threonine.
Molecular consequence: missense variant.
Genome position (GRCh38, 1-based): chr13:32,338,665, G>C. VCF-style: chr13-32338665-G-C. GRCh37 (hg19) VCF-style: chr13-32912802-G-C.
Other names: short protein forms S1437T.
Identifiers: ClinVar variation 632715 (VCV000632715.5), dbSNP rs1403318277, ClinGen allele CA387780781.

ClinVar aggregate classification (germline): Conflicting classifications of pathogenicity. Review status: criteria provided, conflicting classifications (1 of 4 stars). 4 submissions from 4 submitters: Uncertain significance (3); Likely benign (1). Last evaluated 2024-01-05.

Conditions:
Wilms tumor 1 (WT1). Also called: Wilms tumor, somatic. Identifiers: Orphanet 654, MedGen CN033288, MONDO:0008679, OMIM 194070.
Pancreatic cancer, susceptibility to, 2. Identifiers: Orphanet 1333, MedGen C3150546, MONDO:0013235, OMIM 613347.
Glioma susceptibility 3 (GLM3). Also called: Glioblastoma 3. Identifiers: Orphanet 182067, Orphanet 360, MedGen C2751641, MONDO:0013093, OMIM 613029.
Familial cancer of breast. Also called: BREAST CANCER, FAMILIAL; hereditary breast carcinoma; Hereditary breast cancer. Identifiers: Orphanet 227535, MedGen C0346153, MONDO:0016419, OMIM 114480. Disease mechanism: loss of function.
Breast-ovarian cancer, familial, susceptibility to, 2 (BROVCA2). Also called: BRCA2 Hereditary Breast and Ovarian Cancer. Identifiers: Orphanet 145, MedGen C2675520, MONDO:0012933, OMIM 612555. Disease mechanism: loss of function.
Fanconi anemia complementation group D1. Also called: BRCA2-Related Fanconi Anemia. Identifiers: Orphanet 319462, MedGen C1838457, MONDO:0011584, OMIM 605724.
Prostate cancer. Also called: Malignant tumor of prostate. Identifiers: Orphanet 1331, MedGen C0376358, MONDO:0008315, HP:0012125.
Medulloblastoma (MDB). Also called: Medulloblastoma, somatic; MEDULLOBLASTOMA PREDISPOSITION SYNDROME. Identifiers: Orphanet 616, MedGen C0025149, MeSH D008527, MONDO:0007959, OMIM 155255, HP:0002885.
Hereditary cancer-predisposing syndrome. Also called: Neoplastic Syndromes, Hereditary; Hereditary neoplastic syndrome; Tumor predisposition; Hereditary Cancer Syndrome. Identifiers: Orphanet 140162, MedGen C0027672, MeSH D009386, MONDO:0015356.

Allele frequency attached by ClinVar (database versions not stated): TOPMed 0.00001.

Submissions (4):

Ambry Genetics
Classification: Uncertain significance for Hereditary cancer-predisposing syndrome. Last evaluated: 2024-01-05. Review status: criteria provided, single submitter. Criteria: Ambry Variant Classification Scheme 2023. Collection method: clinical testing. Allele origin: germline.
Comment: The p.S1437T variant (also known as c.4310G>C), located in coding exon 10 of the BRCA2 gene, results from a G to C substitution at nucleotide position 4310. The serine at codon 1437 is replaced by threonine, an amino acid with similar properties. This alteration was identified amongst a cohort of 3984 Chinese women with a breast cancer diagnosis undergoing BRCA1/2 genetic testing (Yao L et al. J Hum Genet, 2022 Nov;67:639-642). This amino acid position is poorly conserved in available vertebrate species. In addition, this alteration is predicted to be tolerated by in silico analysis. Since supporting evidence is limited at this time, the clinical significance of this alteration remains unclear.

University of Washington Department of Laboratory Medicine, University of Washington
Classification: Likely benign for Hereditary cancer-predisposing syndrome. Last evaluated: 2023-03-23. Review status: criteria provided, single submitter. Criteria: Dines et al. (Genet Med. 2020). Collection method: curation. Allele origin: germline.
Comment: Missense variant in a coldspot region where missense variants are very unlikely to be pathogenic (PMID:31911673).

BRCA2 exon 11 coldspot. Reclassification based on statistical prior probability.

Fulgent Genetics
Classification: Uncertain significance for Familial cancer of breast; Medulloblastoma; Familial prostate cancer; Wilms tumor 1; Fanconi anemia complementation group D1; Breast-ovarian cancer, familial, susceptibility to, 2; Glioma susceptibility 3; Pancreatic cancer, susceptibility to, 2. Last evaluated: 2022-03-08. Review status: criteria provided, single submitter. Criteria: ACMG Guidelines, 2015. Collection method: clinical testing. Allele origin: unknown.

Women's Health and Genetics/Laboratory Corporation of America, LabCorp
Classification: Uncertain significance. Last evaluated: 2018-05-21. Review status: criteria provided, single submitter. Criteria: LabCorp Variant Classification Summary - May 2015. Collection method: clinical testing. Allele origin: germline.
Comment: Variant summary: BRCA2 c.4310G>C (p.Ser1437Thr) results in a conservative amino acid change located in the BRCA2 repeat of the encoded protein sequence. Five of five in-silico tools predict a benign effect of the variant on protein function. The variant was absent in 119388 control chromosomes. The available data on variant occurrences in the general population are insufficient to allow any conclusion about variant significance. To our knowledge, no occurrence of c.4310G>C in individuals affected with Hereditary Breast and Ovarian Cancer and no experimental evidence demonstrating its impact on protein function have been reported. No clinical diagnostic laboratories have submitted clinical-significance assessments for this variant to ClinVar after 2014. Based on the evidence outlined above, the variant was classified as uncertain significance.

Literature cited by the submitters: PubMed 35864222 (cited by Ambry Genetics).